The following is an entry in ClinVar:

ClinVar aggregate classification (germline): Likely pathogenic. Review status: criteria provided, multiple submitters, no conflicts (2 of 4 stars). 2 submissions from 2 submitters: Likely pathogenic (2). Last evaluated 2019-07-06.

Conditions:
Renal cysts and diabetes syndrome (RCAD). Also called: MATURITY-ONSET DIABETES OF THE YOUNG, TYPE 5; Familial hypoplastic, glomerulocystic kidney. Identifiers: Orphanet 93111, MedGen C0431693, MONDO:0007669, OMIM 137920.

Submissions (2):

Institute of Human Genetics, FAU Erlangen, Friedrich-Alexander-Universität Erlangen-Nürnberg
Classification: Likely pathogenic for Renal cysts and diabetes syndrome. Last evaluated: 2019-07-06. Review status: criteria provided, single submitter. Criteria: ACMG Guidelines, 2015. Collection method: literature only. Allele origin: germline. Affected: yes.
Comment: This variant and it's classification has been reported by Vasileiou et al. 2019; DOI:10.1101/576918. The variants has previously been reported in ClinVar:418253 as "NM_000458.3(HNF1B):c.755G>C (p.Arg252Pro)" with clinical significance Likely pathogenic. It has been re-classified using InterVar and manual curation as Likely pathogenic based on PM1 PM2 PP3 PP5.

GeneDx
Classification: Likely pathogenic. Last evaluated: 2016-03-02. Review status: criteria provided, single submitter. Criteria: GeneDx Variant Classification (06012015). Collection method: clinical testing. Allele origin: germline. Affected: yes.
Comment: To our knowledge, the R252P variant in the HNF1B gene has not been published as a pathogenic variant, nor has it been reported as a benign variant. It was not observed in approximately 6,500 individuals of European and African American ancestry in the NHLBI Exome Sequencing Project, indicating it is not a common benign variant in these populations. The R252P variant is a non-conservative amino acid substitution, which is likely to impact secondary protein structure as these residues differ in polarity, charge, size and/or other properties. This substitution occurs at a position that is conserved across species and in silico analysis predicts this variant is probably damaging to the protein structure/function. A missense variant in a nearby residue (P256S) has been reported in the Human Gene Mutation Database in association with HNF1B-related disorder (Stenson et al., 2014), supporting the functional importance of this region of the protein. Therefore, this variant is likely pathogenic; however, the possibility that it is benign cannot be excluded.

Literature cited by the submitters: DOI 10.1101/576918 (cited by Institute of Human Genetics, FAU Erlangen, Friedrich-Alexander-Universität Erlangen-Nürnberg).

NM_000458.4(HNF1B):c.755G>C (p.Arg252Pro)

Genes: HNF1B (HNF1 homeobox B; minus strand), LOC126862549 (BRD4-independent group 4 enhancer GRCh37_chr17:36093401-36094600; plus strand). Cytogenetic location: 17q12.
Variant type: single nucleotide variant.
Coding change: c.755G>C on transcript NM_000458.4 (MANE Select); coding-DNA position 755, G replaced by C.
Protein change: p.Arg252Pro; replaces arginine 252 with proline.
Molecular consequence: missense variant.
Genome position (GRCh38, 1-based): chr17:37,733,611, C>G on the plus strand (G>C on the coding strand, the complement: HNF1B is on the minus strand). VCF-style: chr17-37733611-C-G. GRCh37 (hg19) VCF-style: chr17-36093604-C-G.
Other names: c.677G>C, p.Arg226Pro (NM_001165923.4, NM_001304286.2); short protein forms R252P, R226P.
Identifiers: ClinVar variation 418253 (VCV000418253.3), dbSNP rs529294719, ClinGen allele CA16620399.